The following is an entry in ClinVar:

ClinVar aggregate classification (germline): Uncertain significance. Review status: criteria provided, multiple submitters, no conflicts (2 of 4 stars). 3 submissions from 3 submitters: Uncertain significance (3). Last evaluated 2025-09-10.

Conditions:
Myoclonic dystonia 11 (DYT11). Also called: DYT-SGCE; Myoclonic dystonia; Dystonia 11; Dystonia, alcohol responsive; Hereditary essential myoclonus; SGCE Myoclonus-Dystonia. Identifiers: Orphanet 36899, MedGen C1834570, MONDO:0008044, OMIM 159900.

gnomAD v4.1: 1 of 1,612,734 alleles (0.000062%); highest among the groups gnomAD compares: Non-Finnish European, 0.000085%; no homozygotes.

Submissions (3):

Genomic Medicine Center of Excellence, King Faisal Specialist Hospital and Research Centre
Classification: Uncertain significance for Myoclonic dystonia 11. Last evaluated: 2025-09-10. Review status: criteria provided, single submitter. Criteria: ACMG Guidelines, 2015. Collection method: clinical testing. Allele origin: germline.

Labcorp Genetics (formerly Invitae), Labcorp
Classification: Uncertain significance for Myoclonic dystonia 11. Last evaluated: 2022-08-02. Review status: criteria provided, single submitter. Criteria: Invitae Variant Classification Sherloc (09022015). Collection method: clinical testing. Allele origin: germline.
Comment: In summary, the available evidence is currently insufficient to determine the role of this variant in disease. Therefore, it has been classified as a Variant of Uncertain Significance. Algorithms developed to predict the effect of missense changes on protein structure and function (SIFT, PolyPhen-2, Align-GVGD) all suggest that this variant is likely to be tolerated. ClinVar contains an entry for this variant (Variation ID: 1691769). This variant has not been reported in the literature in individuals affected with SGCE-related conditions. The frequency data for this variant in the population databases is considered unreliable, as metrics indicate poor data quality at this position in the gnomAD database. This sequence change replaces arginine, which is basic and polar, with serine, which is neutral and polar, at codon 290 of the SGCE protein (p.Arg290Ser).

GeneDx
Classification: Uncertain significance. Last evaluated: 2022-06-15. Review status: criteria provided, single submitter. Criteria: GeneDx Variant Classification Process June 2021. Collection method: clinical testing. Allele origin: germline. Affected: yes.
Comment: Not observed at significant frequency in large population cohorts (gnomAD); In silico analysis supports that this missense variant does not alter protein structure/function; Has not been previously published as pathogenic or benign to our knowledge

NM_003919.3(SGCE):c.868C>A (p.Arg290Ser)

Genes: CASD1 (CAS1 domain sialic acid O acetyltransferase 1; plus strand), SGCE (sarcoglycan epsilon; minus strand). Cytogenetic location: 7q21.3.
Variant type: single nucleotide variant.
Coding change: c.868C>A on transcript NM_003919.3 (MANE Select); coding-DNA position 868, C replaced by A.
Protein change: p.Arg290Ser; replaces arginine 290 with serine.
Genome position (GRCh38, 1-based): chr7:94,600,815, G>T on the plus strand (C>A on the coding strand, the complement: SGCE is on the minus strand). VCF-style: chr7-94600815-G-T. GRCh37 (hg19) VCF-style: chr7-94230127-G-T.
Other names: c.868C>A, p.Arg290Ser (NM_001099400.2, NM_001099401.2, NM_001346717.2); c.745C>A, p.Arg249Ser (NM_001301139.2, NM_001362809.2); c.976C>A, p.Arg326Ser (NM_001346713.2, NM_001346715.2); c.781C>A, p.Arg261Ser (NM_001346719.2, NM_001362807.2); c.595C>A, p.Arg199Ser (NM_001346720.2, NM_001362808.2); short protein forms R199S, R249S, R261S, R290S, R326S.
Identifiers: ClinVar variation 1691769 (VCV001691769.8), dbSNP rs576417569, ClinGen allele CA4348700.